The following is an entry in ClinVar:

NM_003060.4(SLC22A5):c.377C>A (p.Ser126Tyr)

Gene: SLC22A5 (solute carrier family 22 member 5; plus strand). Cytogenetic location: 5q31.1.
Variant type: single nucleotide variant.
Coding change: c.377C>A on transcript NM_003060.4 (MANE Select); coding-DNA position 377, C replaced by A.
Protein change: p.Ser126Tyr; replaces serine 126 with tyrosine.
Molecular consequence: missense variant.
Genome position (GRCh38, 1-based): chr5:132,370,349, C>A. VCF-style: chr5-132370349-C-A. GRCh37 (hg19) VCF-style: chr5-131706041-C-A.
Other names: c.377C>A, p.Ser126Tyr (NM_001308122.2); short protein forms S126Y.
Identifiers: ClinVar variation 664649 (VCV000664649.21), dbSNP rs568906114, ClinGen allele CA3403846.

ClinVar aggregate classification (germline): Uncertain significance. Review status: criteria provided, multiple submitters, no conflicts (2 of 4 stars). 6 submissions from 6 submitters: Uncertain significance (5). 1 of the submissions does not count toward it. Last evaluated 2024-05-10.

Conditions:
Decreased circulating carnitine concentration. Also called: Decreased plasma carnitine. Identifiers: MedGen C5848230, HP:0003234.
Renal carnitine transport defect (CDSP). Also called: Carnitine Deficiency, Systemic; Systemic primary carnitine deficiency; Carnitine transporter deficiency; Systemic primary carnitine deficiency disease; Primary carnitine deficiency; CARNITINE DEFICIENCY, SYSTEMIC, DUE TO DEFECT IN RENAL REABSORPTION OF CARNITINE. Identifiers: Orphanet 158, MedGen C0342788, MONDO:0008919, OMIM 212140.

Allele frequency attached by ClinVar (database versions not stated): gnomAD exomes 0.00003; 1000 Genomes Project 30x 0.00016; 1000 Genomes Project 0.00020; gnomAD 0.00002 and 0.00003; TOPMed 0.00002; ExAC 0.00003.
gnomAD v4.1: 52 of 1,612,328 alleles (0.0032%); highest among the groups gnomAD compares: Middle Eastern, 0.016%; no homozygotes.

Submissions (6):

Fulgent Genetics
Classification: Uncertain significance for Renal carnitine transport defect. Last evaluated: 2024-05-10. Review status: criteria provided, single submitter. Criteria: ACMG Guidelines, 2015. Collection method: clinical testing. Allele origin: germline.

Labcorp Genetics (formerly Invitae), Labcorp
Classification: Uncertain significance for Renal carnitine transport defect. Last evaluated: 2023-12-11. Review status: criteria provided, single submitter. Criteria: Invitae Variant Classification Sherloc (09022015). Collection method: clinical testing. Allele origin: germline.
Comment: This sequence change replaces serine, which is neutral and polar, with tyrosine, which is neutral and polar, at codon 126 of the SLC22A5 protein (p.Ser126Tyr). This variant is present in population databases (rs568906114, gnomAD 0.009%). This variant has not been reported in the literature in individuals affected with SLC22A5-related conditions. ClinVar contains an entry for this variant (Variation ID: 664649). Advanced modeling of protein sequence and biophysical properties (such as structural, functional, and spatial information, amino acid conservation, physicochemical variation, residue mobility, and thermodynamic stability) performed at Invitae indicates that this missense variant is expected to disrupt SLC22A5 protein function with a positive predictive value of 95%. In summary, the available evidence is currently insufficient to determine the role of this variant in disease. Therefore, it has been classified as a Variant of Uncertain Significance.

GeneDx
Classification: Uncertain significance. Last evaluated: 2022-10-27. Review status: criteria provided, single submitter. Criteria: GeneDx Variant Classification Process June 2021. Collection method: clinical testing. Allele origin: germline. Affected: yes.
Comment: Not observed at a significant frequency in large population cohorts (gnomAD); In silico analysis supports that this missense variant has a deleterious effect on protein structure/function; Has not been previously published as pathogenic or benign to our knowledge

Genome-Nilou Lab
Classification: Uncertain significance for Renal carnitine transport defect. Last evaluated: 2021-07-15. Review status: criteria provided, single submitter. Criteria: ACMG Guidelines, 2015. Collection method: clinical testing. Allele origin: germline. Affected: no.

Illumina Laboratory Services, Illumina
Classification: Uncertain significance for Renal carnitine transport defect. Last evaluated: 2018-02-09. Review status: criteria provided, single submitter. Criteria: ICSL Variant Classification Criteria 13 December 2019. Collection method: clinical testing. Allele origin: germline.

Natera, Inc.
Classification: Uncertain significance for Carnitine deficiency. Last evaluated: 2020-08-06. Review status: no assertion criteria provided. Collection method: clinical testing. Allele origin: germline. Not counted in ClinVar's aggregate classification.